The following is an entry in ClinVar:

ClinVar aggregate classification (germline): Uncertain significance (1 of 4 stars; one submission).

Allele frequency attached by ClinVar (database versions not stated): gnomAD exomes below 0.00001 and 0.00002; TOPMed 0.00001.
gnomAD v4.1: 26 of 1,606,672 alleles (0.0016%); highest among the groups gnomAD compares: Non-Finnish European, 0.0021%; no homozygotes.

Submission:

GeneDx
Classification: Uncertain significance. Last evaluated: 2016-12-01. Review status: criteria provided, single submitter. Criteria: GeneDx Variant Classification (06012015). Collection method: clinical testing. Allele origin: germline. Affected: yes.
Comment: The R232K variant in the TNNT3 gene has not been reported previously as a pathogenic variant, nor as a benign variant, to our knowledge. This variant was not observed in approximately 6500 individuals of European and African American ancestry in the NHLBI Exome Sequencing Project, indicating it is not a common benign variant in these populations. The R232K variant is a conservative amino acid substitution, which is not likely to impact secondary protein structure as these residues share similar properties. This substitution occurs at a position that is conserved in mammals. In silico analysis is inconsistent in its predictions as to whether or not the variant is damaging to the protein structure/function. We interpret R232K as a variant of uncertain significance.

NM_006757.4(TNNT3):c.695G>A (p.Arg232Lys)

Gene: TNNT3 (troponin T3, fast skeletal type; plus strand). Cytogenetic location: 11p15.5.
Variant type: single nucleotide variant.
Coding change: c.695G>A on transcript NM_006757.4 (MANE Select); coding-DNA position 695, G replaced by A.
Protein change: p.Arg232Lys; replaces arginine 232 with lysine.
Molecular consequence: missense variant. On other transcripts: intron variant (2).
Genome position (GRCh38, 1-based): chr11:1,936,976, G>A. VCF-style: chr11-1936976-G-A. GRCh37 (hg19) VCF-style: chr11-1958206-G-A.
Other names: c.689G>A, p.Arg230Lys (NM_001042781.3, NM_001367842.1); c.671G>A, p.Arg224Lys (NM_001042782.3, NM_001297646.2, NM_001367844.1 and 1 more transcripts); c.704G>A, p.Arg235Lys (NM_001363561.2, NM_001367847.1); c.728G>A, p.Arg243Lys (NM_001367846.1); c.692G>A, p.Arg231Lys (NM_001367848.1); c.683G>A, p.Arg228Lys (NM_001367849.1); c.638G>A, p.Arg213Lys (NM_001367850.1); c.491G>A, p.Arg164Lys (NM_001367851.1, NM_001367852.1); and 2 more; short protein forms R232K, R228K, R213K, R224K, R231K, R235K, R243K, R164K.
Identifiers: ClinVar variation 373147 (VCV000373147.1), dbSNP rs1057518251, ClinGen allele CA16042739.